The following is an entry in ClinVar:

NM_000321.3(RB1):c.1050T>G (p.Ser350Arg)

Gene: RB1 (RB transcriptional corepressor 1; plus strand). Cytogenetic location: 13q14.2.
Variant type: single nucleotide variant.
Coding change: c.1050T>G on transcript NM_000321.3 (MANE Select); coding-DNA position 1050, T replaced by G.
Protein change: p.Ser350Arg; replaces serine 350 with arginine.
Molecular consequence: missense variant.
Genome position (GRCh38, 1-based): chr13:48,368,527, T>G. VCF-style: chr13-48368527-T-G. GRCh37 (hg19) VCF-style: chr13-48942663-T-G.
Other names: c.1050T>G, p.Ser350Arg (NM_001407165.1, NM_001407166.1); short protein forms S350R.
Identifiers: ClinVar variation 2000301 (VCV002000301.4), dbSNP rs2138123115, ClinGen allele CA388161052.

ClinVar aggregate classification (germline): Uncertain significance (1 of 4 stars; one submission).

Conditions:
Retinoblastoma (RB1). Also called: RETINOBLASTOMA, SOMATIC. Identifiers: Orphanet 790, MedGen C0035335, MeSH D012175, MONDO:0008380, OMIM 180200, HP:0009919. Disease mechanism: loss of function. Inheritance: Both sporadic and heritable forms are tested..

Submission:

Labcorp Genetics (formerly Invitae), Labcorp
Classification: Uncertain significance for Retinoblastoma. Last evaluated: 2022-12-07. Review status: criteria provided, single submitter. Criteria: Invitae Variant Classification Sherloc (09022015). Collection method: clinical testing. Allele origin: germline.
Comment: In summary, the available evidence is currently insufficient to determine the role of this variant in disease. Therefore, it has been classified as a Variant of Uncertain Significance. Algorithms developed to predict the effect of missense changes on protein structure and function (SIFT, PolyPhen-2, Align-GVGD) all suggest that this variant is likely to be tolerated. This variant has not been reported in the literature in individuals affected with RB1-related conditions. This variant is not present in population databases (gnomAD no frequency). This sequence change replaces serine, which is neutral and polar, with arginine, which is basic and polar, at codon 350 of the RB1 protein (p.Ser350Arg).